The following is an entry in ClinVar:

NM_007194.4(CHEK2):c.579A>G (p.Leu193=)

Gene: CHEK2 (checkpoint kinase 2; minus strand). Cytogenetic location: 22q12.1.
Variant type: single nucleotide variant.
Coding change: c.579A>G on transcript NM_007194.4 (MANE Select); coding-DNA position 579, A replaced by G.
Protein change: p.Leu193=; no amino-acid change (leucine 193 retained).
Molecular consequence: synonymous variant. On other transcripts: 5 prime UTR variant (2), intron variant (1).
Genome position (GRCh38, 1-based): chr22:28,724,990, T>C on the plus strand (A>G on the coding strand, the complement: CHEK2 is on the minus strand). VCF-style: chr22-28724990-T-C. GRCh37 (hg19) VCF-style: chr22-29120978-T-C.
Other names: c.708A>G, p.Leu236= (NM_001005735.3, NM_001438294.1); c.-199A>G (NM_001257387.3); c.-85A>G (NM_001437942.1); c.672A>G, p.Leu224= (NM_001438293.1, NM_001438295.1); c.579A>G, p.Leu193= (NM_145862.3); c.445-67A>G (NM_001349956.3).
Identifiers: ClinVar variation 926115 (VCV000926115.14), dbSNP rs1569157233, ClinGen allele CA514168707.

ClinVar aggregate classification (germline): Benign/Likely benign. Review status: criteria provided, multiple submitters, no conflicts (2 of 4 stars). 4 submissions from 4 submitters: Benign (1); Likely benign (3). Last evaluated 2024-10-02.

Conditions:
Hereditary cancer-predisposing syndrome. Also called: Neoplastic Syndromes, Hereditary; Tumor predisposition; Hereditary Cancer Syndrome; Hereditary neoplastic syndrome. Identifiers: Orphanet 140162, MedGen C0027672, MeSH D009386, MONDO:0015356.
Familial cancer of breast. Also called: BREAST CANCER, FAMILIAL; Hereditary breast cancer; hereditary breast carcinoma. Identifiers: Orphanet 227535, MedGen C0346153, MONDO:0016419, OMIM 114480. Disease mechanism: loss of function.

Allele frequency attached by ClinVar (database versions not stated): gnomAD exomes below 0.00001.
gnomAD v4.1: 1 of 1,614,126 alleles (0.000062%); highest among the groups gnomAD compares: Non-Finnish European, 0.000085%; no homozygotes.

Submissions (4):

Myriad Genetics, Inc.
Classification: Benign for Familial cancer of breast. Last evaluated: 2024-10-02. Review status: criteria provided, single submitter. Criteria: Myriad Autosomal Dominant, Autosomal Recessive and X-Linked Classification Criteria (2023). Collection method: clinical testing. Allele origin: unknown.
Comment: This variant is considered benign. This variant is a silent/synonymous amino acid change and it is not expected to impact splicing.

Ambry Genetics
Classification: Likely benign for Hereditary cancer-predisposing syndrome. Last evaluated: 2023-10-06. Review status: criteria provided, single submitter. Criteria: Ambry Variant Classification Scheme 2023. Collection method: clinical testing. Allele origin: germline.

Labcorp Genetics (formerly Invitae), Labcorp
Classification: Likely benign for Familial cancer of breast. Last evaluated: 2022-04-28. Review status: criteria provided, single submitter. Criteria: Invitae Variant Classification Sherloc (09022015). Collection method: clinical testing. Allele origin: germline.

Color Diagnostics, LLC DBA Color Health
Classification: Likely benign for Hereditary cancer-predisposing syndrome. Last evaluated: 2019-04-09. Review status: criteria provided, single submitter. Criteria: ACMG Guidelines, 2015. Collection method: clinical testing. Allele origin: germline.